The following is an entry in ClinVar:

ClinVar aggregate classification (germline): Uncertain significance (1 of 4 stars; one submission).

Conditions:
Charcot-Marie-Tooth Neuropathy X. Identifiers: MedGen CN118851.

Submission:

Labcorp Genetics (formerly Invitae), Labcorp
Classification: Uncertain significance for Charcot-Marie-Tooth Neuropathy X. Last evaluated: 2022-11-05. Review status: criteria provided, single submitter. Criteria: Invitae Variant Classification Sherloc (09022015). Collection method: clinical testing. Allele origin: germline.
Comment: Advanced modeling of protein sequence and biophysical properties (such as structural, functional, and spatial information, amino acid conservation, physicochemical variation, residue mobility, and thermodynamic stability) performed at Invitae indicates that this missense variant is expected to disrupt GJB1 protein function. This missense change has been observed in individual(s) with Charcot-Marie-Tooth disease (Invitae). This variant is not present in population databases (gnomAD no frequency). This sequence change replaces leucine, which is neutral and non-polar, with arginine, which is basic and polar, at codon 90 of the GJB1 protein (p.Leu90Arg). This variant disrupts the p.Leu90 amino acid residue in GJB1. Other variant(s) that disrupt this residue have been determined to be pathogenic (PMID: 9018031, 9592087, 10737979, 26274329, 27804109). This suggests that this residue is clinically significant, and that variants that disrupt this residue are likely to be disease-causing. In summary, the available evidence is currently insufficient to determine the role of this variant in disease. Therefore, it has been classified as a Variant of Uncertain Significance.

Literature cited by the submitters: PubMed 9018031; PubMed 9592087; PubMed 10737979; PubMed 26274329; PubMed 27804109.

NM_000166.6(GJB1):c.269T>G (p.Leu90Arg)

Gene: GJB1 (gap junction protein beta 1; plus strand). Cytogenetic location: Xq13.1.
Variant type: single nucleotide variant.
Coding change: c.269T>G on transcript NM_000166.6 (MANE Select); coding-DNA position 269, T replaced by G.
Protein change: p.Leu90Arg; replaces leucine 90 with arginine.
Molecular consequence: missense variant.
Genome position (GRCh38, 1-based): chrX:71,223,976, T>G. VCF-style: chrX-71223976-T-G. GRCh37 (hg19) VCF-style: chrX-70443826-T-G.
Other names: c.269T>G, p.Leu90Arg (NM_001097642.3); short protein forms L90R.
Identifiers: ClinVar variation 2812182 (VCV002812182.3), dbSNP rs1602349045, ClinGen allele CA413501718.
Genomic context (GRCh38, chrX:71,223,976, plus strand): 5'-CCATCTCCCATGTGCGGCTGTGGTCCCTGCAGCTCATCCTAGTTTCCACCCCAGCTCTCC[T>G]CGTGGCCATGCACGTGGCTCACCAGCAACACATAGAGAAGAAAATGCTACGGCTTGAGGG-3'
Protein context (NP_000157.1, residues 80-100): QLILVSTPAL[Leu90Arg]VAMHVAHQQH